The following is an entry in ClinVar:

ClinVar aggregate classification (germline): Benign (1 of 4 stars; one submission).

Allele frequency attached by ClinVar (database versions not stated): gnomAD 0.00006; TOPMed 0.00006; gnomAD exomes 0.00013.
gnomAD v4.1: 43 of 398,130 alleles (0.011%); highest among the groups gnomAD compares: Middle Eastern, 0.19%; no homozygotes.

Submission:

CeGaT Center for Human Genetics Tuebingen
Classification: Benign. Last evaluated: 2024-02-01. Review status: criteria provided, single submitter. Criteria: CeGaT Center For Human Genetics Tuebingen Variant Classification Criteria Version 2. Collection method: clinical testing. Allele origin: germline. Affected: yes. Observed: 1 variant allele.
Comment: KCNQ1OT1: BS1, BS2

NM_000218.3(KCNQ1):c.1393+31139G>A

Genes: KCNQ1 (potassium voltage-gated channel subfamily Q member 1; plus strand), KCNQ1OT1 (KCNQ1 opposite strand/antisense transcript 1; minus strand). Cytogenetic location: 11p15.5.
Variant type: single nucleotide variant.
Coding change: c.1393+31139G>A on transcript NM_000218.3 (MANE Select); 31139 bases into the intron after coding-DNA position 1393, G replaced by A.
Molecular consequence: intron variant. On other transcripts: non-coding transcript variant (1).
Genome position (GRCh38, 1-based): chr11:2,619,993, G>A. VCF-style: chr11-2619993-G-A. GRCh37 (hg19) VCF-style: chr11-2641223-G-A.
Other names: c.1123+31139G>A (NM_001406837.1); c.1297+31139G>A (NM_001406836.1); c.853+31139G>A (NM_001406838.1); c.1012+31139G>A (NM_181798.2).
Identifiers: ClinVar variation 3026409 (VCV003026409.22), dbSNP rs925659779, ClinGen allele CA216361879.
Genomic context (GRCh38, chr11:2,619,993, plus strand): 5'-TGATGAGGTTTGGAGTGTGGATAAGCCTATCACCCAGGTAGTGAGCATAGTACCCAATAG[G>A]TAGGTTTTCAGCCCACCTCTCCATTCCTCCCCCAAGTAGTCCCCAGTGTCTACTGATCAT-3'